The following is an entry in ClinVar:

NM_005592.4(MUSK):c.665A>T (p.Asn222Ile)

Gene: MUSK (muscle associated receptor tyrosine kinase; plus strand). Cytogenetic location: 9q31.3.
Variant type: single nucleotide variant.
Coding change: c.665A>T on transcript NM_005592.4 (MANE Select); coding-DNA position 665, A replaced by T.
Protein change: p.Asn222Ile; replaces asparagine 222 with isoleucine.
Molecular consequence: missense variant. On other transcripts: 5 prime UTR variant (1).
Genome position (GRCh38, 1-based): chr9:110,734,287, A>T. VCF-style: chr9-110734287-A-T. GRCh37 (hg19) VCF-style: chr9-113496567-A-T.
Other names: c.695A>T, p.Asn232Ile (NM_001166280.2); c.665A>T, p.Asn222Ile (NM_001166281.2); c.-572A>T (NM_001369398.1); short protein forms N222I, N232I.
Identifiers: ClinVar variation 834667 (VCV000834667.10), dbSNP rs55826142, ClinGen allele CA374667763.

ClinVar aggregate classification (germline): Uncertain significance (1 of 4 stars; one submission).

Conditions:
Fetal akinesia deformation sequence 1 (FADS1). Also called: Fetal akinesia sequence; Pena-Shokeir syndrome type I. Identifiers: Orphanet 994, MedGen C1276035, MONDO:0100101, OMIM 208150, HP:0001989.
Congenital myasthenic syndrome 9. Also called: Myasthenic syndrome, congenital, 9, associated with acetylcholine receptor deficiency. Identifiers: Orphanet 590, MedGen C4225368, MONDO:0014587, OMIM 616325.

Submission:

Labcorp Genetics (formerly Invitae), Labcorp
Classification: Uncertain significance for Congenital myasthenic syndrome 9; Fetal akinesia deformation sequence 1. Last evaluated: 2019-02-05. Review status: criteria provided, single submitter. Criteria: Invitae Variant Classification Sherloc (09022015). Collection method: clinical testing. Allele origin: germline.
Comment: This sequence change replaces asparagine with isoleucine at codon 222 of the MUSK protein (p.Asn222Ile). The asparagine residue is highly conserved and there is a large physicochemical difference between asparagine and isoleucine. In summary, the available evidence is currently insufficient to determine the role of this variant in disease. Therefore, it has been classified as a Variant of Uncertain Significance. Algorithms developed to predict the effect of missense changes on protein structure and function are either unavailable or do not agree on the potential impact of this missense change (SIFT: "Deleterious"; PolyPhen-2: "Probably Damaging"; Align-GVGD: "Class C15"). This variant has not been reported in the literature in individuals with MUSK-related conditions. This variant is not present in population databases (ExAC no frequency).